The following is an entry in ClinVar:

NM_000417.3(IL2RA):c.655+52A>G

Gene: IL2RA (interleukin 2 receptor subunit alpha; minus strand). Cytogenetic location: 10p15.1.
Variant type: single nucleotide variant.
Coding change: c.655+52A>G on transcript NM_000417.3 (MANE Select); 52 bases into the intron after coding-DNA position 655, A replaced by G.
Molecular consequence: intron variant.
Genome position (GRCh38, 1-based): chr10:6,019,818, T>C on the plus strand (A>G on the coding strand, the complement: IL2RA is on the minus strand). VCF-style: chr10-6019818-T-C. GRCh37 (hg19) VCF-style: chr10-6061781-T-C.
Other names: c.368-319A>G (NM_001308243.2); c.439+52A>G (NM_001308242.2).
Identifiers: ClinVar variation 2628287 (VCV002628287.2), dbSNP rs10752175, ClinGen allele CA13179886.
Genomic context (GRCh38, chr10:6,019,818, plus strand): 5'-GTGGGCTTCTCCCCTACAGGTCACCTCCGCCTATCTCCCTGAGCCTGGCTCCTGGTCACC[T>C]CTGCCCTTTTGGACTAGGCCTCTGTGGTCCAGCGTTTGTCTTCTCCCGCACCTGTTGTTG-3'

ClinVar aggregate classification (germline): Benign (1 of 4 stars; one submission).

Allele frequency attached by ClinVar (database versions not stated): 1000 Genomes Project 30x 0.80575; 1000 Genomes Project 0.80811; TOPMed 0.85143; gnomAD 0.86111; ESP Exome Variant Server 0.89515; gnomAD exomes 0.90058.
gnomAD v4.1: 1,374,151 of 1,533,098 alleles (90%); highest among the groups gnomAD compares: Non-Finnish European, 92%; 619,163 homozygotes.

Submission:

Unidad de Genómica Garrahan, Hospital de Pediatría Garrahan
Classification: Benign. Last evaluated: 2023-11-12. Review status: criteria provided, single submitter. Criteria: ACMG Guidelines, 2015. Collection method: clinical testing. Allele origin: germline. Affected: no. Observed: 85 variant alleles.
Comment: This variant is classified as Benign based on local population frequency. This variant was detected in 89% of patients studied by a panel of primary immunodeficiencies. Number of patients: 85. Only high quality variants are reported.